The following is an entry in ClinVar:

ClinVar aggregate classification (germline): Conflicting classifications of pathogenicity. Review status: criteria provided, conflicting classifications (1 of 4 stars). 2 submissions from 2 submitters: Pathogenic (1); Uncertain significance (1). Last evaluated 2025-12-29.

Conditions:
Cardiovascular phenotype. Identifiers: MedGen CN230736.
Dilated cardiomyopathy 1DD (CMD1DD). Identifiers: Orphanet 154, MedGen C2750995, MONDO:0013168, OMIM 613172.

Allele frequency attached by ClinVar (database versions not stated): gnomAD exomes below 0.00001.
gnomAD v4.1: 1 of 1,551,676 alleles (0.000064%); highest among the groups gnomAD compares: Non-Finnish European, 0.000087%; no homozygotes.

Submissions (2):

Labcorp Genetics (formerly Invitae), Labcorp
Classification: Pathogenic for Dilated cardiomyopathy 1DD. Last evaluated: 2025-12-29. Review status: criteria provided, single submitter. Criteria: Invitae Variant Classification Sherloc (09022015). Collection method: clinical testing. Allele origin: germline.
Comment: This sequence change affects a donor splice site in intron 7 of the RBM20 gene. It is expected to disrupt RNA splicing. Variants that disrupt the donor or acceptor splice site typically lead to a loss of protein function (PMID: 16199547), and loss-of-function variants in RBM20 are known to be pathogenic (PMID: 20590677, 22004663, 38288598, 38510713, 40339755). This variant is not present in population databases (gnomAD no frequency). Disruption of this splice site has been observed in individuals with dilated cardiomyopathy (PMID: 37767697; internal data). ClinVar contains an entry for this variant (Variation ID: 411658). Algorithms developed to predict the effect of sequence changes on RNA splicing suggest that this variant may disrupt the consensus splice site. For these reasons, this variant has been classified as Pathogenic.

Ambry Genetics
Classification: Uncertain significance for Cardiovascular phenotype. Last evaluated: 2024-10-30. Review status: criteria provided, single submitter. Criteria: Ambry Variant Classification Scheme 2023. Collection method: clinical testing. Allele origin: germline.
Comment: The c.1800+1G>A intronic variant results from a G to A substitution one nucleotide after coding exon 7 of the RBM20 gene. In silico splice site analysis predicts that this alteration will weaken the native splice donor site. Alterations that disrupt the canonical splice site are expected to cause aberrant splicing, resulting in an abnormal protein or a transcript that is subject to nonsense-mediated mRNA decay. However, loss of function of RBM20 has not been clearly established as a mechanism of disease. Since supporting evidence is limited at this time, the clinical significance of this alteration remains unclear.

Literature cited by the submitters: PubMed 16199547 (cited by Labcorp Genetics (formerly Invitae), Labcorp); PubMed 20590677 (cited by Labcorp Genetics (formerly Invitae), Labcorp); PubMed 22004663 (cited by Labcorp Genetics (formerly Invitae), Labcorp); PubMed 38288598 (cited by Labcorp Genetics (formerly Invitae), Labcorp); PubMed 38510713 (cited by Labcorp Genetics (formerly Invitae), Labcorp); PubMed 40339755 (cited by Labcorp Genetics (formerly Invitae), Labcorp); PubMed 37767697 (cited by Labcorp Genetics (formerly Invitae), Labcorp).

NM_001134363.3(RBM20):c.1800+1G>A

Gene: RBM20 (RNA binding motif protein 20; plus strand). Cytogenetic location: 10q25.2.
Variant type: single nucleotide variant.
Coding change: c.1800+1G>A on transcript NM_001134363.3 (MANE Select); the canonical splice donor site of the intron after coding-DNA position 1800, G replaced by A.
Molecular consequence: splice donor variant.
Genome position (GRCh38, 1-based): chr10:110,799,919, G>A. VCF-style: chr10-110799919-G-A. GRCh37 (hg19) VCF-style: chr10-112559677-G-A.
Identifiers: ClinVar variation 411658 (VCV000411658.12), dbSNP rs1060503414, ClinGen allele CA16612840.
Genomic context (GRCh38, chr10:110,799,919, plus strand): 5'-ATCAATGGTGAGAAGTTGCTCATTCGGATGTCCAAGAGATACAAGGAATTGCAGCTCAAG[G>A]TAAAGCATTATCTTGCTCATTCAGTCATTCAACAAGCACCAGATGAGTTTCTCCTCCGTG-3'